The following is an entry in ClinVar:

ClinVar aggregate classification (germline): Uncertain significance (1 of 4 stars; one submission).

Submission:

GeneDx
Classification: Uncertain significance. Last evaluated: 2022-04-21. Review status: criteria provided, single submitter. Criteria: GeneDx Variant Classification Process June 2021. Collection method: clinical testing. Allele origin: germline. Affected: yes.
Comment: Not observed at significant frequency in large population cohorts (gnomAD); In silico analysis supports that this missense variant has a deleterious effect on protein structure/function; Has not been previously published as pathogenic or benign to our knowledge

NM_001134407.3(GRIN2A):c.2015G>C (p.Arg672Thr)

Gene: GRIN2A (glutamate ionotropic receptor NMDA type subunit 2A; minus strand). Cytogenetic location: 16p13.2.
Variant type: single nucleotide variant.
Coding change: c.2015G>C on transcript NM_001134407.3 (MANE Select); coding-DNA position 2015, G replaced by C.
Protein change: p.Arg672Thr; replaces arginine 672 with threonine.
Molecular consequence: missense variant.
Genome position (GRCh38, 1-based): chr16:9,822,417, C>G on the plus strand (G>C on the coding strand, the complement: GRIN2A is on the minus strand). VCF-style: chr16-9822417-C-G. GRCh37 (hg19) VCF-style: chr16-9916274-C-G.
Other names: c.2015G>C, p.Arg672Thr (NM_000833.5, NM_001134408.2); short protein forms R672T.
Identifiers: ClinVar variation 1711927 (VCV001711927.2), dbSNP rs2506094870, ClinGen allele CA394797991.
Genomic context (GRCh38, chr16:9,822,417, plus strand): 5'-CTCTCCGTGCTTCCATTAGGCACTGTCCCAAATCGAAAAGGTGGGGAATAGTCATGAGGT[C>G]TCTGAAACTGGAGAGAGAACGAGAAAGGAAGAGAGAGAGTAGGAAAAGAAAGAGAAGGGA-3'
Protein context (NP_001127879.1, residues 662-682): VTGLSDKKFQ[Arg672Thr]PHDYSPPFRF